The following is an entry in ClinVar:

NM_018192.4(P3H2):c.196_216del (p.Asp66_Arg72del)

Gene: P3H2 (prolyl 3-hydroxylase 2; minus strand). Cytogenetic location: 3q28.
Variant type: Deletion.
Coding change: c.196_216del on transcript NM_018192.4 (MANE Select); coding-DNA positions 196 to 216, 21 bases deleted (GACTTGGAAGCGGCGCTGCGC).
Protein change: p.Asp66_Arg72del.
Molecular consequence: inframe deletion. On other transcripts: intron variant (1).
Genome position (GRCh38, 1-based): chr3:190,120,516-190,120,536, GCGCAGCGCCGCTTCCAAGTC deleted on the plus strand (GACTTGGAAGCGGCGCTGCGC on the coding strand, the reverse complement: P3H2 is on the minus strand); deleting any 21 consecutive bases within chr3:190,120,516-190,120,541 gives the same sequence; the c. name uses the placement nearest the transcript's 3' end. VCF-style (leftmost placement, unchanged base first): chr3-190120515-TGCGCAGCGCCGCTTCCAAGTC-T. GRCh37 (hg19) VCF-style: chr3-189838304-TGCGCAGCGCCGCTTCCAAGTC-T.
Other names: c.-64+1667_-64+1687del (NM_001134418.2).
Identifiers: ClinVar variation 1359496 (VCV001359496.8), dbSNP rs767583092, ClinGen allele CA2753407.

ClinVar aggregate classification (germline): Uncertain significance (1 of 4 stars; one submission).

Submission:

Labcorp Genetics (formerly Invitae), Labcorp
Classification: Uncertain significance. Last evaluated: 2024-10-25. Review status: criteria provided, single submitter. Criteria: Invitae Variant Classification Sherloc (09022015). Collection method: clinical testing. Allele origin: germline.
Comment: This variant, c.196_216del, results in the deletion of 7 amino acid(s) of the P3H2 protein (p.Asp66_Arg72del), but otherwise preserves the integrity of the reading frame. This variant is not present in population databases (gnomAD no frequency). This variant has not been reported in the literature in individuals affected with P3H2-related conditions. ClinVar contains an entry for this variant (Variation ID: 1359496). Experimental studies and prediction algorithms are not available or were not evaluated, and the functional significance of this variant is currently unknown. In summary, the available evidence is currently insufficient to determine the role of this variant in disease. Therefore, it has been classified as a Variant of Uncertain Significance.